The following is an entry in ClinVar:

NM_004006.3(DMD):c.10504G>T (p.Glu3502Ter)

Gene: DMD (dystrophin; minus strand). Cytogenetic location: Xp21.2.
Variant type: single nucleotide variant.
Coding change: c.10504G>T on transcript NM_004006.3 (MANE Select); coding-DNA position 10504, G replaced by T.
Protein change: p.Glu3502Ter; replaces glutamic acid 3502 with a stop codon.
Molecular consequence: nonsense. On other transcripts: intron variant (2).
Genome position (GRCh38, 1-based): chrX:31,169,492, C>A on the plus strand (G>T on the coding strand, the complement: DMD is on the minus strand). VCF-style: chrX-31169492-C-A. GRCh37 (hg19) VCF-style: chrX-31187609-C-A.
Other names: c.10480G>T, p.Glu3494Ter (NM_000109.4); c.10492G>T, p.Glu3498Ter (NM_004009.3); c.10135G>T, p.Glu3379Ter (NM_004010.3); c.6481G>T, p.Glu2161Ter (NM_004011.4); c.6472G>T, p.Glu2158Ter (NM_004012.4); c.3124G>T, p.Glu1042Ter (NM_004013.3, NM_004021.3); c.2317G>T, p.Glu773Ter (NM_004014.3); c.1300G>T, p.Glu434Ter (NM_004015.3, NM_004016.3); and 3 more; short protein forms E3502*, E1042*, E2161*, E3379*, E3498*, E434*, E1029*, E773*.
Identifiers: ClinVar variation 217174 (VCV000217174.1), dbSNP rs863224977, ClinGen allele CA347545.

ClinVar aggregate classification (germline): Pathogenic (1 of 4 stars; one submission).

Conditions:
Duchenne muscular dystrophy (DMD). Also called: MUSCULAR DYSTROPHY, PSEUDOHYPERTROPHIC PROGRESSIVE, DUCHENNE TYPE; Duchenne Muscular Dystrophy (DMD). Identifiers: Orphanet 98896, MedGen C0013264, MONDO:0010679, OMIM 310200.

Submission:

Athena Diagnostics
Classification: Pathogenic for Duchenne muscular dystrophy. Last evaluated: 2013-01-18. Review status: criteria provided, single submitter. Criteria: Athena Diagnostics Criteria. Collection method: clinical testing. Allele origin: germline. Inheritance: X-linked recessive inheritance.
Comment: X-linked recessive inheritance

Literature cited by the submitters: PubMed 16049303.